The following is an entry in ClinVar:

ClinVar aggregate classification (germline): Uncertain significance. Review status: criteria provided, multiple submitters, no conflicts (2 of 4 stars). 2 submissions from 2 submitters: Uncertain significance (2). Last evaluated 2025-06-26.

Conditions:
Inborn genetic diseases. Identifiers: MedGen C0950123, MeSH D030342.

Allele frequency attached by ClinVar (database versions not stated): ExAC 0.00001; gnomAD exomes below 0.00001.
gnomAD v4.1: 1 of 1,611,388 alleles (0.000062%); highest among the groups gnomAD compares: Non-Finnish European, 0.000085%; no homozygotes.

Submissions (2):

GeneDx
Classification: Uncertain significance. Last evaluated: 2025-06-26. Review status: criteria provided, single submitter. Criteria: GeneDx Variant Classification Process June 2021. Collection method: clinical testing. Allele origin: germline. Affected: yes.
Comment: Not observed at significant frequency in large population cohorts (gnomAD); In silico analysis suggests that this missense variant does not alter protein structure/function; Has not been previously published as pathogenic or benign to our knowledge

Ambry Genetics
Classification: Uncertain significance for Inborn genetic diseases. Last evaluated: 2023-09-20. Review status: criteria provided, single submitter. Criteria: Ambry Variant Classification Scheme 2023. Collection method: clinical testing. Allele origin: germline.

NM_032380.5(GFM2):c.1532G>A (p.Cys511Tyr)

Gene: GFM2 (GTP dependent ribosome recycling factor mitochondrial 2; minus strand). Cytogenetic location: 5q13.3.
Variant type: single nucleotide variant.
Coding change: c.1532G>A on transcript NM_032380.5 (MANE Select); coding-DNA position 1532, G replaced by A.
Protein change: p.Cys511Tyr; replaces cysteine 511 with tyrosine.
Molecular consequence: missense variant. On other transcripts: non-coding transcript variant (1).
Genome position (GRCh38, 1-based): chr5:74,733,077, C>T on the plus strand (G>A on the coding strand, the complement: GFM2 is on the minus strand). VCF-style: chr5-74733077-C-T. GRCh37 (hg19) VCF-style: chr5-74028902-C-T.
Other names: c.1628G>A, p.Cys543Tyr (NM_001281302.2); c.1391G>A, p.Cys464Tyr (NM_170691.3); short protein forms C464Y, C511Y, C543Y.
Identifiers: ClinVar variation 3099453 (VCV003099453.2), dbSNP rs748624794, ClinGen allele CA3306497.